The following is an entry in ClinVar:

NM_007373.4(SHOC2):c.88G>A (p.Ala30Thr)

Gene: SHOC2 (SHOC2 leucine rich repeat scaffold protein; plus strand). Cytogenetic location: 10q25.2.
Variant type: single nucleotide variant.
Coding change: c.88G>A on transcript NM_007373.4 (MANE Select); coding-DNA position 88, G replaced by A.
Protein change: p.Ala30Thr; replaces alanine 30 with threonine.
Molecular consequence: missense variant.
Genome position (GRCh38, 1-based): chr10:110,964,446, G>A. VCF-style: chr10-110964446-G-A. GRCh37 (hg19) VCF-style: chr10-112724204-G-A.
Other names: c.88G>A, p.Ala30Thr (NM_001269039.3, NM_001324336.2, NM_001324337.2); short protein forms A30T.
Identifiers: ClinVar variation 2804581 (VCV002804581.3), dbSNP rs1847633358, ClinGen allele CA378381206.
Genomic context (GRCh38, chr10:110,964,446, plus strand): 5'-GACTCTAAAGAAAAAGATCCCAAAGTACCATCAGCCAAGGAAAGAGAAAAGGAGGCAAAA[G>A]CCTCTGGAGGTTTTGGGAAAGAGAGCAAAGAAAAAGAACCTAAGACCAAAGGGAAAGATG-3'
Protein context (NP_031399.2, residues 20-40): SAKEREKEAK[Ala30Thr]SGGFGKESKE

ClinVar aggregate classification (germline): Uncertain significance (1 of 4 stars; one submission).

Conditions:
RASopathy. Also called: rasopathies; Noonan spectrum disorder. Identifiers: Orphanet 536391, MedGen C5555857, MONDO:0021060.

Submission:

Labcorp Genetics (formerly Invitae), Labcorp
Classification: Uncertain significance for RASopathy. Last evaluated: 2023-09-03. Review status: criteria provided, single submitter. Criteria: Invitae Variant Classification Sherloc (09022015). Collection method: clinical testing. Allele origin: germline.
Comment: In summary, the available evidence is currently insufficient to determine the role of this variant in disease. Therefore, it has been classified as a Variant of Uncertain Significance. An algorithm developed to predict the effect of missense changes on protein structure and function (PolyPhen-2) suggests that this variant is likely to be tolerated. This variant has not been reported in the literature in individuals affected with SHOC2-related conditions. This variant is not present in population databases (gnomAD no frequency). This sequence change replaces alanine, which is neutral and non-polar, with threonine, which is neutral and polar, at codon 30 of the SHOC2 protein (p.Ala30Thr).